The following is an entry in ClinVar:

ClinVar aggregate classification (germline): Uncertain significance (1 of 4 stars; one submission).

Allele frequency attached by ClinVar (database versions not stated): TOPMed 0.00001.

Submission:

GeneDx
Classification: Uncertain significance. Last evaluated: 2026-05-27. Review status: criteria provided, single submitter. Criteria: GeneDx Variant Classification Process June 2021. Collection method: clinical testing. Allele origin: germline.
Comment: Not observed at significant frequency in large population cohorts (gnomAD); In silico analysis supports that this missense variant has a deleterious effect on protein structure/function; Has not been previously published as pathogenic or benign to our knowledge

NM_001151.4(SLC25A4):c.607C>T (p.Pro203Ser)

Gene: SLC25A4 (solute carrier family 25 member 4; plus strand). Cytogenetic location: 4q35.1.
Variant type: single nucleotide variant.
Coding change: c.607C>T on transcript NM_001151.4 (MANE Select); coding-DNA position 607, C replaced by T.
Protein change: p.Pro203Ser; replaces proline 203 with serine.
Molecular consequence: missense variant.
Genome position (GRCh38, 1-based): chr4:185,145,767, C>T. VCF-style: chr4-185145767-C-T. GRCh37 (hg19) VCF-style: chr4-186066921-C-T.
Other names: short protein forms P203S.
Identifiers: ClinVar variation 2663295 (VCV002663295.2), dbSNP rs1180189403, ClinGen allele CA358897003.